The following is an entry in ClinVar:

NM_021267.5(CERS1):c.610C>G (p.Leu204Val)

Genes: CERS1 (ceramide synthase 1; minus strand), GDF1 (growth differentiation factor 1; minus strand). Cytogenetic location: 19p13.11.
Variant type: single nucleotide variant.
Coding change: c.610C>G on transcript NM_021267.5 (MANE Select); coding-DNA position 610, C replaced by G.
Protein change: p.Leu204Val; replaces leucine 204 with valine.
Molecular consequence: missense variant. On other transcripts: 5 prime UTR variant (1), intron variant (2).
Genome position (GRCh38, 1-based): chr19:18,880,416, G>C on the plus strand (C>G on the coding strand, the complement: CERS1 is on the minus strand). VCF-style: chr19-18880416-G-C. GRCh37 (hg19) VCF-style: chr19-18991225-G-C.
Other names: c.316C>G, p.Leu106Val (NM_001290265.2, NM_001387442.1, NM_001387443.1 and 2 more transcripts); c.610C>G, p.Leu204Val (NM_001387439.1, NM_001387440.1, NM_198207.3); c.-713C>G (NM_001492.6); c.591-26C>G (NM_001387441.1); c.-313+3671C>G (NM_001387438.1); short protein forms L106V, L204V.
Identifiers: ClinVar variation 1038481 (VCV001038481.6), dbSNP rs866186539, ClinGen allele CA306245514.

ClinVar aggregate classification (germline): Uncertain significance (1 of 4 stars; one submission).

Conditions:
Progressive myoclonic epilepsy type 8. Identifiers: Orphanet 424027, MedGen C5190825, MONDO:0014545, OMIM 616230.

Allele frequency attached by ClinVar (database versions not stated): gnomAD exomes below 0.00001.
gnomAD v4.1: 6 of 1,589,338 alleles (0.00038%); highest among the groups gnomAD compares: South Asian, 0.0011%; no homozygotes.

Submission:

Labcorp Genetics (formerly Invitae), Labcorp
Classification: Uncertain significance for Progressive myoclonic epilepsy type 8. Last evaluated: 2021-09-01. Review status: criteria provided, single submitter. Criteria: Invitae Variant Classification Sherloc (09022015). Collection method: clinical testing. Allele origin: germline.
Comment: This sequence change replaces leucine with valine at codon 204 of the CERS1 protein (p.Leu204Val). The leucine residue is highly conserved and there is a small physicochemical difference between leucine and valine. This variant is not present in population databases (ExAC no frequency). This variant has not been reported in the literature in individuals affected with CERS1-related conditions. Algorithms developed to predict the effect of missense changes on protein structure and function are either unavailable or do not agree on the potential impact of this missense change (SIFT: "Tolerated"; PolyPhen-2: "Probably Damaging"; Align-GVGD: "Class C0"). In summary, the available evidence is currently insufficient to determine the role of this variant in disease. Therefore, it has been classified as a Variant of Uncertain Significance.